The following is an entry in ClinVar:

NM_000082.4(ERCC8):c.899_900insTTATACTC (p.Cys301fs)

Gene: ERCC8 (ERCC excision repair 8, CSA ubiquitin ligase complex subunit; minus strand). Cytogenetic location: 5q12.1.
Variant type: Insertion.
Coding change: c.899_900insTTATACTC on transcript NM_000082.4 (MANE Select); coding-DNA positions 899 to 900, TTATACTC inserted.
Protein change: p.Cys301fs; shifts the reading frame from cysteine 301.
Molecular consequence: frameshift variant.
Genome position: GRCh38 VCF-style: chr5-60891030-G-GGAGTATAA. GRCh37 (hg19) VCF-style: chr5-60186857-G-GGAGTATAA.
Other names: c.725_726insTTATACTC, p.Cys243fs (NM_001007233.3); c.440_441insTTATACTC, p.Cys148fs (NM_001290285.2); short protein forms C148fs, C243fs, C301fs.
Identifiers: ClinVar variation 5011402 (VCV005011402.1).

ClinVar aggregate classification (germline): Pathogenic (1 of 4 stars; one submission).

Conditions:
Cockayne syndrome type 1. Also called: Cockayne syndrome type I; Cockayne syndrome classical; Cockayne syndrome classic form. Identifiers: Orphanet 191, Orphanet 90321, MedGen C0751039, MONDO:0019569, OMIM 216400.

Submission:

Myriad Genetics, Inc.
Classification: Pathogenic for Cockayne syndrome type 1. Last evaluated: 2023-08-20. Review status: criteria provided, single submitter. Criteria: Myriad Autosomal Dominant, Autosomal Recessive and X-Linked Classification Criteria (2023). Collection method: clinical testing. Allele origin: unknown.
Comment: NM_000082.3(ERCC8):c.899_900ins8(C301Yfs*30) is expected to be pathogenic in the context of ERCC8-related disorders. This variant is predicted to lead to an abnormal or absent protein product due to the creation of a premature termination codon in ERCC8, a gene where loss-of-function variants are known to be pathogenic. Please note: this variant was assessed in the context of healthy population screening.